The following is an entry in ClinVar:

ClinVar aggregate classification (germline): Benign (1 of 4 stars; one submission).

Conditions:
Parietal foramina 2 (PFM2). Identifiers: Orphanet 60015, MedGen C1865044, MONDO:0012309, OMIM 609597.

Allele frequency attached by ClinVar (database versions not stated): TOPMed 0.00033; gnomAD 0.00040; 1000 Genomes Project 0.00060; 1000 Genomes Project 30x 0.00062.
gnomAD v4.1: 59 of 151,670 alleles (0.039%); highest among the groups gnomAD compares: Non-Finnish European, 0.065%; no homozygotes.

Submission:

Illumina Laboratory Services, Illumina
Classification: Benign for Parietal foramina 2. Last evaluated: 2018-01-13. Review status: criteria provided, single submitter. Criteria: ICSL Variant Classification Criteria 13 December 2019. Collection method: clinical testing. Allele origin: germline.
Comment: This variant was observed in the ICSL laboratory as part of a predisposition screen in an ostensibly healthy population. It had not been previously curated by ICSL or reported in the Human Gene Mutation Database (HGMD: prior to June 1st, 2018), and was therefore a candidate for classification through an automated scoring system. Utilizing variant allele frequency, disease prevalence and penetrance estimates, and inheritance mode, an automated score was calculated to assess if this variant is too frequent to cause the disease. Based on the score and internal cut-off values, a variant classified as benign is not then subjected to further curation. The score for this variant resulted in a classification of benign for this disease.

NM_021926.4(ALX4):c.*4105C>T

Gene: ALX4 (ALX homeobox 4; minus strand). Cytogenetic location: 11p11.2.
Variant type: single nucleotide variant.
Coding change: c.*4105C>T on transcript NM_021926.4 (MANE Select); 4105 bases downstream of the stop codon, C replaced by T.
Molecular consequence: 3 prime UTR variant.
Genome position (GRCh38, 1-based): chr11:44,260,749, G>A on the plus strand (C>T on the coding strand, the complement: ALX4 is on the minus strand). VCF-style: chr11-44260749-G-A. GRCh37 (hg19) VCF-style: chr11-44282299-G-A.
Other names: c.*4105C>T (LRG_1256t1).
Identifiers: ClinVar variation 304608 (VCV000304608.5), dbSNP rs560087261, ClinGen allele CA10638477.